The following is an entry in ClinVar:

NM_198834.3(ACACA):c.3901C>G (p.Pro1301Ala)

Gene: ACACA (acetyl-CoA carboxylase alpha; minus strand). Cytogenetic location: 17q12.
Variant type: single nucleotide variant.
Coding change: c.3901C>G on transcript NM_198834.3 (MANE Select); coding-DNA position 3901, C replaced by G.
Protein change: p.Pro1301Ala; replaces proline 1301 with alanine.
Molecular consequence: missense variant.
Genome position (GRCh38, 1-based): chr17:37,206,830, G>C on the plus strand (C>G on the coding strand, the complement: ACACA is on the minus strand). VCF-style: chr17-37206830-G-C. GRCh37 (hg19) VCF-style: chr17-35563744-G-C.
Other names: c.3790C>G, p.Pro1264Ala (NM_198836.3, NM_198839.3); c.3616C>G, p.Pro1206Ala (NM_198837.2); c.3556C>G, p.Pro1186Ala (NM_198838.2); short protein forms P1206A, P1264A, P1301A, P1186A.
Identifiers: ClinVar variation 2996015 (VCV002996015.3), dbSNP rs902896581, ClinGen allele CA290187929.

ClinVar aggregate classification (germline): Uncertain significance (1 of 4 stars; one submission).

Allele frequency attached by ClinVar (database versions not stated): gnomAD 0.00001; gnomAD exomes 0.00001; TOPMed 0.00001.
gnomAD v4.1: 10 of 1,613,806 alleles (0.00062%); highest among the groups gnomAD compares: African/African-American, 0.0013%; no homozygotes.

Submission:

Labcorp Genetics (formerly Invitae), Labcorp
Classification: Uncertain significance. Last evaluated: 2024-05-08. Review status: criteria provided, single submitter. Criteria: Invitae Variant Classification Sherloc (09022015). Collection method: clinical testing. Allele origin: germline.
Comment: This sequence change replaces proline, which is neutral and non-polar, with alanine, which is neutral and non-polar, at codon 1264 of the ACACA protein (p.Pro1264Ala). This variant is present in population databases (no rsID available, gnomAD 0.0009%). This variant has not been reported in the literature in individuals affected with ACACA-related conditions. An algorithm developed to predict the effect of missense changes on protein structure and function (PolyPhen-2) suggests that this variant is likely to be tolerated. In summary, the available evidence is currently insufficient to determine the role of this variant in disease. Therefore, it has been classified as a Variant of Uncertain Significance.